The following is an entry in ClinVar:

NM_017849.4(TMEM127):c.373A>G (p.Ile125Val)

Gene: TMEM127 (transmembrane protein 127; minus strand). Cytogenetic location: 2q11.2.
Variant type: single nucleotide variant.
Coding change: c.373A>G on transcript NM_017849.4 (MANE Select); coding-DNA position 373, A replaced by G.
Protein change: p.Ile125Val; replaces isoleucine 125 with valine.
Molecular consequence: missense variant.
Genome position (GRCh38, 1-based): chr2:96,254,869, T>C on the plus strand (A>G on the coding strand, the complement: TMEM127 is on the minus strand). VCF-style: chr2-96254869-T-C. GRCh37 (hg19) VCF-style: chr2-96920607-T-C.
Other names: c.373A>G, p.Ile125Val (NM_001193304.3); c.121A>G, p.Ile41Val (NM_001407282.1, NM_001407283.1); short protein forms I125V, I41V.
Identifiers: ClinVar variation 4865718 (VCV004865718.1).

ClinVar aggregate classification (germline): Uncertain significance (1 of 4 stars; one submission).

Conditions:
Hereditary cancer-predisposing syndrome. Also called: Neoplastic Syndromes, Hereditary; Tumor predisposition; Hereditary Cancer Syndrome; Hereditary neoplastic syndrome. Identifiers: Orphanet 140162, MedGen C0027672, MeSH D009386, MONDO:0015356.

Submission:

Ambry Genetics
Classification: Uncertain significance for Hereditary cancer-predisposing syndrome. Last evaluated: 2026-03-26. Review status: criteria provided, single submitter. Criteria: Ambry Variant Classification Scheme 2023. Collection method: clinical testing. Allele origin: germline.
Comment: The p.I125V variant (also known as c.373A>G), located in coding exon 2 of the TMEM127 gene, results from an A to G substitution at nucleotide position 373. The isoleucine at codon 125 is replaced by valine, an amino acid with highly similar properties. This amino acid position is conserved. In addition, the in silico prediction for this alteration is inconclusive. Based on the available evidence, the clinical significance of this variant remains unclear.